The following is an entry in ClinVar:

ClinVar aggregate classification (germline): Pathogenic (1 of 4 stars; one submission).

Submission:

Labcorp Genetics (formerly Invitae), Labcorp
Classification: Pathogenic. Last evaluated: 2020-09-03. Review status: criteria provided, single submitter. Criteria: Invitae Variant Classification Sherloc (09022015). Collection method: clinical testing. Allele origin: germline.
Comment: For these reasons, this variant has been classified as Pathogenic. This variant disrupts the C-terminus of the PHEX protein. Other variant(s) that disrupt this region (p.Arg747*) have been determined to be pathogenic (PMID: 9199930, 9768674). This suggests that variants that disrupt this region of the protein are likely to be causative of disease. This variant has not been reported in the literature in individuals with PHEX-related conditions. This variant is not present in population databases (ExAC no frequency). This sequence change results in a premature translational stop signal in the PHEX gene (p.Gln706*). While this is not anticipated to result in nonsense mediated decay, it is expected to disrupt the last 44 amino acids of the PHEX protein.

Literature cited by the submitters: PubMed 9199930; PubMed 9768674.

NM_000444.6(PHEX):c.2116C>T (p.Gln706Ter)

Genes: PHEX (phosphate regulating endopeptidase X-linked; plus strand), PTCHD1-AS (PTCHD1 and PHEX antisense RNA; minus strand). Cytogenetic location: Xp22.11.
Variant type: single nucleotide variant.
Coding change: c.2116C>T on transcript NM_000444.6 (MANE Select); coding-DNA position 2116, C replaced by T.
Protein change: p.Gln706Ter; replaces glutamine 706 with a stop codon.
Molecular consequence: nonsense. On other transcripts: intron variant (1).
Genome position (GRCh38, 1-based): chrX:22,245,378, C>T. VCF-style: chrX-22245378-C-T. GRCh37 (hg19) VCF-style: chrX-22263495-C-T.
Other names: c.2071-2473C>T (NM_001282754.2); short protein forms Q706*.
Identifiers: ClinVar variation 1070366 (VCV001070366.9), dbSNP rs2147214059, ClinGen allele CA412575261.